The following is an entry in ClinVar:

NM_001197104.2(KMT2A):c.6701G>A (p.Gly2234Glu)

Gene: KMT2A (lysine methyltransferase 2A; plus strand). Cytogenetic location: 11q23.3.
Variant type: single nucleotide variant.
Coding change: c.6701G>A on transcript NM_001197104.2 (MANE Select); coding-DNA position 6701, G replaced by A.
Protein change: p.Gly2234Glu; replaces glycine 2234 with glutamic acid.
Molecular consequence: missense variant.
Genome position (GRCh38, 1-based): chr11:118,502,593, G>A. VCF-style: chr11-118502593-G-A. GRCh37 (hg19) VCF-style: chr11-118373308-G-A.
Other names: c.6791G>A, p.Gly2264Glu (NM_001412597.1); c.6692G>A, p.Gly2231Glu (NM_005933.4); short protein forms G2264E, G2234E, G2231E.
Identifiers: ClinVar variation 3115967 (VCV003115967.1), dbSNP rs2134385428, ClinGen allele CA382802736.

ClinVar aggregate classification (germline): Uncertain significance (1 of 4 stars; one submission).

Conditions:
Inborn genetic diseases. Identifiers: MedGen C0950123, MeSH D030342.

Submission:

Ambry Genetics
Classification: Uncertain significance for Inborn genetic diseases. Last evaluated: 2023-12-18. Review status: criteria provided, single submitter. Criteria: Ambry Variant Classification Scheme 2023. Collection method: clinical testing. Allele origin: germline.
Comment: The c.6701G>A (p.G2234E) alteration is located in exon 27 (coding exon 27) of the KMT2A gene. This alteration results from a G to A substitution at nucleotide position 6701, causing the glycine (G) at amino acid position 2234 to be replaced by a glutamic acid (E). This variant was not reported in population-based cohorts in the Genome Aggregation Database (gnomAD). This amino acid position is well conserved in available vertebrate species. The in silico prediction for this alteration is inconclusive. Based on insufficient or conflicting evidence, the clinical significance of this alteration remains unclear.